The following is an entry in ClinVar:

ClinVar aggregate classification (germline): Uncertain significance (1 of 4 stars; one submission).

Submission:

Labcorp Genetics (formerly Invitae), Labcorp
Classification: Uncertain significance. Last evaluated: 2020-02-22. Review status: criteria provided, single submitter. Criteria: Invitae Variant Classification Sherloc (09022015). Collection method: clinical testing. Allele origin: germline.
Comment: This variant has not been reported in the literature in individuals with CNGB3-related conditions. Algorithms developed to predict the effect of missense changes on protein structure and function output the following: SIFT: "Tolerated"; PolyPhen-2: "Benign"; Align-GVGD: "Class C0". The aspartic acid amino acid residue is found in multiple mammalian species, suggesting that this missense change does not adversely affect protein function. These predictions have not been confirmed by published functional studies and their clinical significance is uncertain. In summary, the available evidence is currently insufficient to determine the role of this variant in disease. Therefore, it has been classified as a Variant of Uncertain Significance. This variant is not present in population databases (ExAC no frequency). This sequence change replaces alanine with aspartic acid at codon 169 of the CNGB3 protein (p.Ala169Asp). The alanine residue is moderately conserved and there is a moderate physicochemical difference between alanine and aspartic acid.

NM_019098.5(CNGB3):c.506C>A (p.Ala169Asp)

Gene: CNGB3 (cyclic nucleotide gated channel subunit beta 3; minus strand). Cytogenetic location: 8q21.3.
Variant type: single nucleotide variant.
Coding change: c.506C>A on transcript NM_019098.5 (MANE Select); coding-DNA position 506, C replaced by A.
Protein change: p.Ala169Asp; replaces alanine 169 with aspartic acid.
Molecular consequence: missense variant.
Genome position (GRCh38, 1-based): chr8:86,668,156, G>T on the plus strand (C>A on the coding strand, the complement: CNGB3 is on the minus strand). VCF-style: chr8-86668156-G-T. GRCh37 (hg19) VCF-style: chr8-87680384-G-T.
Other names: short protein forms A169D.
Identifiers: ClinVar variation 1057333 (VCV001057333.9), dbSNP rs2131616159, ClinGen allele CA371449986.